The following is an entry in ClinVar:

NM_001110556.2(FLNA):c.5686+6C>T

Gene: FLNA (filamin A; minus strand). Cytogenetic location: Xq28.
Variant type: single nucleotide variant.
Coding change: c.5686+6C>T on transcript NM_001110556.2 (MANE Select); 6 bases into the intron after coding-DNA position 5686, C replaced by T.
Molecular consequence: intron variant.
Genome position (GRCh38, 1-based): chrX:154,353,909, G>A on the plus strand (C>T on the coding strand, the complement: FLNA is on the minus strand). VCF-style: chrX-154353909-G-A. GRCh37 (hg19) VCF-style: chrX-153582277-G-A.
Other names: c.5662+6C>T (NM_001456.4).
Identifiers: ClinVar variation 1439915 (VCV001439915.6), dbSNP rs2148106131, ClinGen allele CA2573159428.

ClinVar aggregate classification (germline): Uncertain significance (1 of 4 stars; one submission).

Conditions:
Melnick-Needles syndrome (MNS). Also called: MELNICK-NEEDLES OSTEODYSPLASTY; Melnick-Needles Syndrome (FLNA-MNS); OSTEODYSPLASTY OF MELNICK AND NEEDLES. Identifiers: Orphanet 2484, MedGen C0025237, MONDO:0010650, OMIM 309350.
Frontometaphyseal dysplasia (FMD1). Identifiers: Orphanet 1826, MedGen C0265293, MONDO:0015942.
Heterotopia, periventricular, X-linked dominant (PVNH1). Also called: PERIVENTRICULAR NODULAR HETEROTOPIA 1; X-linked periventricular heterotopia; PERIVENTRICULAR NODULAR HETEROTOPIA 4; HETEROTOPIA, PERIVENTRICULAR, 1. Identifiers: Orphanet 2149, Orphanet 82004, MedGen C1848213, MONDO:0010233, OMIM 300049.
Oto-palato-digital syndrome, type II (OPD2). Also called: FACIOPALATOOSSEOUS SYNDROME; Otopalatodigital Syndrome Type 2 (FLNA-OPD2); OPD II SYNDROME; Otopalatodigital Syndrome, Type II. Identifiers: Orphanet 669, Orphanet 90652, MedGen C1844696, MONDO:0010571, OMIM 304120.

gnomAD v4.1: 17 of 1,211,931 alleles (0.0014%); highest among the groups gnomAD compares: African/African-American, 0.0017%; no homozygotes.

Submission:

Labcorp Genetics (formerly Invitae), Labcorp
Classification: Uncertain significance for Oto-palato-digital syndrome, type II; Heterotopia, periventricular, X-linked dominant; Frontometaphyseal dysplasia; Melnick-Needles syndrome. Last evaluated: 2021-10-04. Review status: criteria provided, single submitter. Criteria: Invitae Variant Classification Sherloc (09022015). Collection method: clinical testing. Allele origin: germline.
Comment: In summary, the available evidence is currently insufficient to determine the role of this variant in disease. Therefore, it has been classified as a Variant of Uncertain Significance. Variants that disrupt the consensus splice site are a relatively common cause of aberrant splicing (PMID: 17576681, 9536098). Algorithms developed to predict the effect of sequence changes on RNA splicing suggest that this variant is not likely to affect RNA splicing. This variant has not been reported in the literature in individuals affected with FLNA-related conditions. This variant is not present in population databases (ExAC no frequency). This sequence change falls in intron 34 of the FLNA gene. It does not directly change the encoded amino acid sequence of the FLNA protein. It affects a nucleotide within the consensus splice site of the intron.

Literature cited by the submitters: PubMed 17576681; PubMed 9536098.